The following is an entry in ClinVar:

ClinVar aggregate classification (germline): Uncertain significance (1 of 4 stars; one submission).

Allele frequency attached by ClinVar (database versions not stated): gnomAD exomes 0.00001.
gnomAD v4.1: 7 of 1,210,205 alleles (0.00058%); highest among the groups gnomAD compares: South Asian, 0.0018%; no homozygotes.

Submission:

GeneDx
Classification: Uncertain significance. Last evaluated: 2022-05-23. Review status: criteria provided, single submitter. Criteria: GeneDx Variant Classification Process June 2021. Collection method: clinical testing. Allele origin: germline. Affected: yes.
Comment: In silico analysis supports that this missense variant does not alter protein structure/function; Has not been previously published as pathogenic or benign to our knowledge

NM_001042750.2(STAG2):c.3584G>A (p.Arg1195His)

Gene: STAG2 (STAG2 cohesin complex component; plus strand). Cytogenetic location: Xq25.
Variant type: single nucleotide variant.
Coding change: c.3584G>A on transcript NM_001042750.2 (MANE Select); coding-DNA position 3584, G replaced by A.
Protein change: p.Arg1195His; replaces arginine 1195 with histidine.
Molecular consequence: missense variant.
Genome position (GRCh38, 1-based): chrX:124,094,023, G>A. VCF-style: chrX-124094023-G-A. GRCh37 (hg19) VCF-style: chrX-123227873-G-A.
Other names: c.3584G>A, p.Arg1195His (NM_001042749.2, NM_001375366.1, NM_001375367.1 and 5 more transcripts); c.3473G>A, p.Arg1158His (NM_001042751.2, NM_001282418.2, NM_001375373.1 and 5 more transcripts); short protein forms R1158H, R1195H.
Identifiers: ClinVar variation 1801017 (VCV001801017.1), dbSNP rs1430304708, ClinGen allele CA414282128.